The following is an entry in ClinVar:

NM_001130438.3(SPTAN1):c.1687A>G (p.Met563Val)

Gene: SPTAN1 (spectrin alpha, non-erythrocytic 1; plus strand). Cytogenetic location: 9q34.11.
Variant type: single nucleotide variant.
Coding change: c.1687A>G on transcript NM_001130438.3 (MANE Select); coding-DNA position 1687, A replaced by G.
Protein change: p.Met563Val; replaces methionine 563 with valine.
Molecular consequence: missense variant.
Genome position (GRCh38, 1-based): chr9:128,582,730, A>G. VCF-style: chr9-128582730-A-G. GRCh37 (hg19) VCF-style: chr9-131345009-A-G.
Other names: c.1687A>G, p.Met563Val (NM_001195532.2, NM_001363759.2, NM_001363765.2 and 5 more transcripts); c.1723A>G, p.Met575Val (NM_001375312.2, NM_001375318.1); c.1687A>G (NM_001130438.2); short protein forms M575V, M563V.
Identifiers: ClinVar variation 1040486 (VCV001040486.7), dbSNP rs1344488286, ClinGen allele CA375054969.

ClinVar aggregate classification (germline): Conflicting classifications of pathogenicity. Review status: criteria provided, conflicting classifications (1 of 4 stars). 3 submissions from 3 submitters: Uncertain significance (2); Likely benign (1). Last evaluated 2025-08-14.

Conditions:
Early-infantile DEE. Also called: Ohtahara syndrome; Early infantile epileptic encephalopathy with suppression bursts; Early infantile epileptic encephalopathy. Identifiers: Orphanet 1934, MedGen C0393706, MONDO:0800491.
Inborn genetic diseases. Identifiers: MedGen C0950123, MeSH D030342.

Allele frequency attached by ClinVar (database versions not stated): gnomAD exomes below 0.00001 and 0.00001; gnomAD 0.00001.
gnomAD v4.1: 6 of 1,613,896 alleles (0.00037%); highest among the groups gnomAD compares: African/African-American, 0.0013%; no homozygotes.

Submissions (3):

Labcorp Genetics (formerly Invitae), Labcorp
Classification: Uncertain significance for Early-infantile DEE. Last evaluated: 2025-08-14. Review status: criteria provided, single submitter. Criteria: Invitae Variant Classification Sherloc (09022015). Collection method: clinical testing. Allele origin: germline.
Comment: This sequence change replaces methionine, which is neutral and non-polar, with valine, which is neutral and non-polar, at codon 563 of the SPTAN1 protein (p.Met563Val). This variant is present in population databases (no rsID available, gnomAD 0.004%). This variant has not been reported in the literature in individuals affected with SPTAN1-related conditions. ClinVar contains an entry for this variant (Variation ID: 1040486). Invitae Evidence Modeling of protein sequence and biophysical properties (such as structural, functional, and spatial information, amino acid conservation, physicochemical variation, residue mobility, and thermodynamic stability) has been performed for this missense variant. However, the output from this modeling did not meet the statistical confidence thresholds required to predict the impact of this variant on SPTAN1 protein function. In summary, the available evidence is currently insufficient to determine the role of this variant in disease. Therefore, it has been classified as a Variant of Uncertain Significance.

ARUP Laboratories, Molecular Genetics and Genomics, ARUP Laboratories
Classification: Uncertain significance. Last evaluated: 2024-09-25. Review status: criteria provided, single submitter. Criteria: ARUP Molecular Germline Variant Investigation Process 2024. Collection method: clinical testing. Allele origin: germline.
Comment: The SPTAN1 c.1687A>G; p.Met563Val variant (rs1344488286), to our knowledge, is not reported in the medical literature but is reported in ClinVar (Variation ID: 1040486). This variant is found in the general population with an overall allele frequency of 0.0007% (2/282672 alleles) in the Genome Aggregation Database (v2.1.1). Computational analyses predict that this variant is neutral (REVEL: 0.068). Due to limited information, the clinical significance of this variant is uncertain at this time.

Ambry Genetics
Classification: Likely benign for Inborn genetic diseases. Last evaluated: 2022-09-22. Review status: criteria provided, single submitter. Criteria: Ambry Variant Classification Scheme 2023. Collection method: clinical testing. Allele origin: germline.